The following is an entry in ClinVar:

NM_006005.3(WFS1):c.2095A>C (p.Thr699Pro)

Gene: WFS1 (wolframin ER transmembrane glycoprotein; plus strand). Cytogenetic location: 4p16.1.
Variant type: single nucleotide variant.
Coding change: c.2095A>C on transcript NM_006005.3 (MANE Select); coding-DNA position 2095, A replaced by C.
Protein change: p.Thr699Pro; replaces threonine 699 with proline.
Molecular consequence: missense variant.
Genome position (GRCh38, 1-based): chr4:6,301,890, A>C. VCF-style: chr4-6301890-A-C. GRCh37 (hg19) VCF-style: chr4-6303617-A-C.
Other names: c.2095A>C, p.Thr699Pro (NM_001145853.1); short protein forms T699P.
Identifiers: ClinVar variation 3767960 (VCV003767960.1).

ClinVar aggregate classification (germline): Likely pathogenic (1 of 4 stars; one submission).

Conditions:
Wolfram syndrome 1 (WFS1). Identifiers: Orphanet 3463, MedGen C4551693, MONDO:0009101, OMIM 222300.

gnomAD v4.1: 1 of 1,612,910 alleles (0.000062%); highest among the groups gnomAD compares: Non-Finnish European, 0.000085%; no homozygotes.

Submission:

Diagnostics Services (NGS), CSIR - Centre For Cellular And Molecular Biology
Classification: Likely pathogenic for Wolfram syndrome 1. Last evaluated: 2025-01-27. Review status: criteria provided, single submitter. Criteria: ACMG Guidelines, 2015. Collection method: clinical testing. Allele origin: germline. Affected: yes. Observed: 1 variant allele, 1 homozygote.
Comment: The c.2095A>C variant is not present in publicly available population databases like 1000 Genomes, EVS, gnomAD, Indian Exome Database or our internal database. This variant has neither been observed in individuals affected with WFS1-related conditions nor reported to clinical databases like Human Genome Mutation Database (HGMD) ClinVar or OMIM in any affected individuals. In-silico pathogenicity prediction programs like SIFT, Polyphen-2, MutationTaster2021, CADD, Franklin, Varsome etc predicted this variant to be likely deleterious, however these predictions were not confirmed by published functional studies. This variant is present in a mutational hotspot region of the gene and a different amino acid change in the same codon (Thr699Met) has been previously observed in affected individuals, published in literature several times and reported to the clinical databases as ‘Pathogenic/Likely Pathogenic’.